The following is an entry in ClinVar:

ClinVar aggregate classification (germline): Likely pathogenic (1 of 4 stars; one submission).

Conditions:
Usher syndrome type 2A. Also called: RETINAL DISEASE IN USHER SYNDROME TYPE IIA, MODIFIER OF; USHER SYNDROME, TYPE IIA. Identifiers: Orphanet 231178, Orphanet 886, MedGen C1848634, MONDO:0010169, OMIM 276901.

Submission:

Myriad Genetics, Inc.
Classification: Likely pathogenic for Usher syndrome type 2A. Last evaluated: 2022-03-11. Review status: criteria provided, single submitter. Criteria: Myriad Women's Health Autosomal Recessive and X-Linked Classification Criteria (2021). Collection method: clinical testing. Allele origin: unknown.
Comment: NM_206933.2(USH2A):c.10580C>G(S3527*) is expected to be pathogenic in the context of USH2A-related disorders. This variant is predicted to lead to an abnormal or absent protein product due to the creation of a premature termination codon in USH2A, a gene where loss-of-function variants are known to be pathogenic. Please note: this variant was assessed in the context of healthy population screening.

NM_206933.4(USH2A):c.10580C>G (p.Ser3527Ter)

Gene: USH2A (usherin; minus strand). Cytogenetic location: 1q41.
Variant type: single nucleotide variant.
Coding change: c.10580C>G on transcript NM_206933.4 (MANE Select); coding-DNA position 10580, C replaced by G.
Protein change: p.Ser3527Ter; replaces serine 3527 with a stop codon.
Molecular consequence: nonsense.
Genome position (GRCh38, 1-based): chr1:215,782,743, G>C on the plus strand (C>G on the coding strand, the complement: USH2A is on the minus strand). VCF-style: chr1-215782743-G-C. GRCh37 (hg19) VCF-style: chr1-215956085-G-C.
Other names: short protein forms S3527*.
Identifiers: ClinVar variation 1725169 (VCV001725169.2), dbSNP rs2464394078, ClinGen allele CA344837257.
Genomic context (GRCh38, chr1:215,782,743, plus strand): 5'-TTTTCTTATGAATTTATGGGATTTTGTTATTTGTATTTTAAAGGTATCTCAATACCATTT[G>C]ATTGTATAGGTTTTCTCCAGTTTAAGACAATTGTATCTTCAAGATTGTCTATTTTGGTCC-3'